The following is an entry in ClinVar:

ClinVar aggregate classification (germline): Uncertain significance (1 of 4 stars; one submission).

Conditions:
Tyrosinemia type I (TYRSN1). Also called: HEPATORENAL TYROSINEMIA; Tyrosinemia type 1; Fumarylacetoacetase deficiency; FAH DEFICIENCY; Deficiency of fumarylacetoacetase. Identifiers: Orphanet 882, MedGen C0268490, MONDO:0010161, OMIM 276700. Disease mechanism: loss of function.

Submission:

Neuberg Centre For Genomic Medicine, NCGM
Classification: Uncertain significance for Tyrosinemia type I. Last evaluated: 2023-05-20. Review status: criteria provided, single submitter. Criteria: ACMG Guidelines, 2015. Collection method: clinical testing. Allele origin: germline. Inheritance: Autosomal recessive inheritance. Affected: yes.
Comment: The missense variant c.597G>T(p.Glu199Asp) in the FAH gene has not been reported previously as a pathogenic variant nor as a benign variant, to our knowledge. This variant is absent in the gnomAD Exomes. The amino acid Glutamic Acid at position 199 is changed to an Asparagine changing protein sequence and it might alter its composition and physico-chemical properties. Multiple lines of computational evidence (Polyphen - Damaging, SIFT - Damaging and MutationTaster - Disease causing) predict a damaging effect on protein structure and function for this variant. The amino acid change p.Glu199Asp in FAH is predicted as conserved by GERP++ and PhyloP across 100 vertebrates. For these reasons, this variant has been classified as Uncertain Significance

NM_000137.4(FAH):c.597G>T (p.Glu199Asp)

Gene: FAH (fumarylacetoacetate hydrolase; plus strand). Cytogenetic location: 15q25.1.
Variant type: single nucleotide variant.
Coding change: c.597G>T on transcript NM_000137.4 (MANE Select); coding-DNA position 597, G replaced by T.
Protein change: p.Glu199Asp; replaces glutamic acid 199 with aspartic acid.
Molecular consequence: missense variant.
Genome position (GRCh38, 1-based): chr15:80,168,307, G>T. VCF-style: chr15-80168307-G-T. GRCh37 (hg19) VCF-style: chr15-80460649-G-T.
Other names: c.597G>T, p.Glu199Asp (NM_001374377.1, NM_001374380.1); short protein forms E199D.
Identifiers: ClinVar variation 3367054 (VCV003367054.1).